The following is an entry in ClinVar:

ClinVar aggregate classification (germline): Uncertain significance. Review status: criteria provided, multiple submitters, no conflicts (2 of 4 stars). 3 submissions from 3 submitters: Uncertain significance (3). Last evaluated 2025-06-30.

Conditions:
Hereditary cancer-predisposing syndrome. Also called: Neoplastic Syndromes, Hereditary; Hereditary Cancer Syndrome; Tumor predisposition; Hereditary neoplastic syndrome. Identifiers: Orphanet 140162, MedGen C0027672, MeSH D009386, MONDO:0015356.
Tuberous sclerosis 1 (TSC1). Identifiers: Orphanet 805, MedGen C1854465, MONDO:0008612, OMIM 191100.

Submissions (3):

Labcorp Genetics (formerly Invitae), Labcorp
Classification: Uncertain significance for Tuberous sclerosis 1. Last evaluated: 2025-06-30. Review status: criteria provided, single submitter. Criteria: Invitae Variant Classification Sherloc (09022015). Collection method: clinical testing. Allele origin: germline.
Comment: This sequence change replaces lysine, which is basic and polar, with asparagine, which is neutral and polar, at codon 662 of the TSC1 protein (p.Lys662Asn). This variant is not present in population databases (gnomAD no frequency). This variant has not been reported in the literature in individuals affected with TSC1-related conditions. ClinVar contains an entry for this variant (Variation ID: 2562884). Invitae Evidence Modeling of protein sequence and biophysical properties (such as structural, functional, and spatial information, amino acid conservation, physicochemical variation, residue mobility, and thermodynamic stability) indicates that this missense variant is not expected to disrupt TSC1 protein function with a negative predictive value of 95%. In summary, the available evidence is currently insufficient to determine the role of this variant in disease. Therefore, it has been classified as a Variant of Uncertain Significance.

Ambry Genetics
Classification: Uncertain significance for Hereditary cancer-predisposing syndrome. Last evaluated: 2023-04-23. Review status: criteria provided, single submitter. Criteria: Ambry Variant Classification Scheme 2023. Collection method: clinical testing. Allele origin: germline.
Comment: The p.K662N variant (also known as c.1986G>T), located in coding exon 13 of the TSC1 gene, results from a G to T substitution at nucleotide position 1986. The lysine at codon 662 is replaced by asparagine, an amino acid with similar properties. This amino acid position is conserved. In addition, this alteration is predicted to be tolerated by in silico analysis. Since supporting evidence is limited at this time, the clinical significance of this alteration remains unclear.

GeneDx
Classification: Uncertain significance. Last evaluated: 2023-02-15. Review status: criteria provided, single submitter. Criteria: GeneDx Variant Classification Process June 2021. Collection method: clinical testing. Allele origin: germline. Affected: yes.
Comment: Not observed at significant frequency in large population cohorts (gnomAD); In silico analysis supports that this missense variant does not alter protein structure/function; Has not been previously published as pathogenic or benign to our knowledge

NM_000368.5(TSC1):c.1986G>T (p.Lys662Asn)

Gene: TSC1 (TSC complex subunit 1; minus strand). Cytogenetic location: 9q34.13.
Variant type: single nucleotide variant.
Coding change: c.1986G>T on transcript NM_000368.5 (MANE Select); coding-DNA position 1986, G replaced by T.
Protein change: p.Lys662Asn; replaces lysine 662 with asparagine.
Molecular consequence: missense variant. On other transcripts: non-coding transcript variant (5).
Genome position (GRCh38, 1-based): chr9:132,905,592, C>A on the plus strand (G>T on the coding strand, the complement: TSC1 is on the minus strand). VCF-style: chr9-132905592-C-A. GRCh37 (hg19) VCF-style: chr9-135780979-C-A.
Other names: c.1983G>T, p.Lys661Asn (NM_001162426.2, NM_001406597.1, NM_001406598.1 and 6 more transcripts); c.1833G>T, p.Lys611Asn (NM_001162427.2, NM_001406610.1); c.1623G>T, p.Lys541Asn (NM_001362177.2, NM_001406614.1, NM_001406615.1 and 5 more transcripts); c.1986G>T, p.Lys662Asn (NM_001406592.1, NM_001406593.1, NM_001406594.1 and 7 more transcripts); c.1620G>T, p.Lys540Asn (NM_001406620.1, NM_001406621.1, NM_001406622.1 and 2 more transcripts); c.1035G>T, p.Lys345Asn (NM_001406626.1); c.1032G>T, p.Lys344Asn (NM_001406627.1, NM_001406628.1); c.933G>T, p.Lys311Asn (NM_001406629.1, NM_001406630.1); and 1 more; short protein forms K345N, K344N, K311N, K541N, K610N, K540N, K611N, K661N.
Identifiers: ClinVar variation 2562884 (VCV002562884.4), dbSNP rs2131807682, ClinGen allele CA375362260.